The following is an entry in ClinVar:

ClinVar aggregate classification (germline): Uncertain significance (1 of 4 stars; one submission).

Conditions:
Hereditary cancer-predisposing syndrome. Also called: Tumor predisposition; Neoplastic Syndromes, Hereditary; Hereditary neoplastic syndrome; Hereditary Cancer Syndrome. Identifiers: Orphanet 140162, MedGen C0027672, MeSH D009386, MONDO:0015356.

Submission:

Ambry Genetics
Classification: Uncertain significance for Hereditary cancer-predisposing syndrome. Last evaluated: 2024-08-18. Review status: criteria provided, single submitter. Criteria: Ambry Variant Classification Scheme 2023. Collection method: clinical testing. Allele origin: germline.
Comment: The p.D746E variant (also known as c.2238T>A) is located in coding exon 9 of the AXIN2 gene. The aspartic acid at codon 746 is replaced by glutamic acid, an amino acid with highly similar properties. This change occurs in the first base pair of coding exon 9. This amino acid position is conserved. In addition, this alteration is predicted to be tolerated by in silico analysis. Based on the available evidence, the clinical significance of this variant remains unclear.

NM_004655.4(AXIN2):c.2238T>A (p.Asp746Glu)

Gene: AXIN2 (axin 2; minus strand). Cytogenetic location: 17q24.1.
Variant type: single nucleotide variant.
Coding change: c.2238T>A on transcript NM_004655.4 (MANE Select); coding-DNA position 2238, T replaced by A.
Protein change: p.Asp746Glu; replaces aspartic acid 746 with glutamic acid.
Molecular consequence: missense variant.
Genome position (GRCh38, 1-based): chr17:65,534,079, A>T on the plus strand (T>A on the coding strand, the complement: AXIN2 is on the minus strand). VCF-style: chr17-65534079-A-T. GRCh37 (hg19) VCF-style: chr17-63530197-A-T.
Other names: c.2043T>A, p.Asp681Glu (NM_001363813.1); short protein forms D681E, D746E.
Identifiers: ClinVar variation 3470280 (VCV003470280.1).
Genomic context (GRCh38, chr17:65,534,079, plus strand): 5'-GACAACCAACTCACTGGCCTGGAGCGCGTGGACACCTGCCAGTTTCTTTGGCTCTTTGTG[A>T]CTGAAAATAAGATGGAATGGAACAAGTTTAGCATTTTAAAGCAGACACACATCTAAAGCA-3'
Protein context (NP_004646.3, residues 736-756): PFSNPSLAPE[Asp746Glu]HKEPKKLAGV